The following is an entry in ClinVar:

NM_000057.4(BLM):c.2555+6T>C

Gene: BLM (BLM RecQ like helicase; plus strand). Cytogenetic location: 15q26.1.
Variant type: single nucleotide variant.
Coding change: c.2555+6T>C on transcript NM_000057.4 (MANE Select); 6 bases into the intron after coding-DNA position 2555, T replaced by C.
Molecular consequence: intron variant.
Genome position (GRCh38, 1-based): chr15:90,769,592, T>C. VCF-style: chr15-90769592-T-C. GRCh37 (hg19) VCF-style: chr15-91312822-T-C.
Other names: c.2555+6T>C (NM_001287246.2, NM_001287247.2); c.1430+6T>C (NM_001287248.2).
Identifiers: ClinVar variation 646127 (VCV000646127.9), dbSNP rs1596238993, ClinGen allele CA915946157.

ClinVar aggregate classification (germline): Uncertain significance (1 of 4 stars; one submission).

Conditions:
Bloom syndrome (BLM). Also called: Bloom-Torre-Machacek syndrome. Identifiers: Orphanet 125, MedGen C0005859, MONDO:0008876, OMIM 210900.

gnomAD v4.1: 1 of 1,613,462 alleles (0.000062%); no homozygotes.

Submission:

Labcorp Genetics (formerly Invitae), Labcorp
Classification: Uncertain significance for Bloom syndrome. Last evaluated: 2025-04-08. Review status: criteria provided, single submitter. Criteria: Invitae Variant Classification Sherloc (09022015). Collection method: clinical testing. Allele origin: germline.
Comment: This sequence change falls in intron 12 of the BLM gene. It does not directly change the encoded amino acid sequence of the BLM protein. RNA analysis indicates that this variant induces altered splicing and may result in an absent or altered protein product. This variant is not present in population databases (gnomAD no frequency). This variant has not been reported in the literature in individuals affected with BLM-related conditions. ClinVar contains an entry for this variant (Variation ID: 646127). Variants that disrupt the consensus splice site are a relatively common cause of aberrant splicing (PMID: 17576681, 9536098). Studies have shown that this variant results in skipping of exon 12, and produces a non-functional protein and/or introduces a premature termination codon (internal data). In summary, the available evidence is currently insufficient to determine the role of this variant in disease. Therefore, it has been classified as a Variant of Uncertain Significance.

Literature cited by the submitters: PubMed 17576681; PubMed 9536098.